The following is an entry in ClinVar:

NM_019065.3(NECAB2):c.1132+8dup

Gene: NECAB2 (N-terminal EF-hand calcium binding protein 2; plus strand). Cytogenetic location: 16q23.3.
Variant type: Duplication.
Coding change: c.1132+8dup on transcript NM_019065.3 (MANE Select); 8 bases into the intron after coding-DNA position 1132, one base duplicated (G; older notation c.1132+8dupG).
Molecular consequence: intron variant.
Genome position (GRCh38, 1-based): chr16:84,001,924, G duplicated; the last of 5 consecutive G bases (chr16:84,001,920-84,001,924); duplicating any one gives the same sequence. VCF-style (leftmost placement, unchanged base first): chr16-84001919-A-AG. GRCh37 (hg19) VCF-style: chr16-84035524-A-AG.
Other names: c.1078+8dup (NM_001329748.1); c.883+8dup (NM_001329749.2); c.1132+8dupG (NM_019065.2).
Identifiers: ClinVar variation 403225 (VCV000403225.4), dbSNP rs113413576, ClinGen allele CA8199475.

ClinVar aggregate classification (germline): Benign (1 of 4 stars; one submission).

Submission:

Laboratory for Molecular Medicine, Mass General Brigham Personalized Medicine
Classification: Benign. Last evaluated: 2016-03-29. Review status: criteria provided, single submitter. Criteria: LMM Criteria. Collection method: clinical testing. Allele origin: germline.
Comment: Variant identified in a genome or exome case(s) and assessed due to predicted null impact of the variant or pathogenic assertions in the literature or databases. Disclaimer: This variant has not undergone full assessment. The following are preliminary notes: Frequency